The following is an entry in ClinVar:

ClinVar aggregate classification (germline): Uncertain significance (1 of 4 stars; one submission).

Submission:

CeGaT Center for Human Genetics Tuebingen
Classification: Uncertain significance. Last evaluated: 2023-01-01. Review status: criteria provided, single submitter. Criteria: CeGaT Center For Human Genetics Tuebingen Variant Classification Criteria Version 2. Collection method: clinical testing. Allele origin: germline. Affected: yes. Observed: 1 variant allele.
Comment: ANO10: PM2

NM_018075.5(ANO10):c.359C>T (p.Thr120Ile)

Gene: ANO10 (anoctamin 10; minus strand). Cytogenetic location: 3p22.1.
Variant type: single nucleotide variant.
Coding change: c.359C>T on transcript NM_018075.5 (MANE Select); coding-DNA position 359, C replaced by T.
Protein change: p.Thr120Ile; replaces threonine 120 with isoleucine.
Molecular consequence: missense variant. On other transcripts: intron variant (1).
Genome position (GRCh38, 1-based): chr3:43,598,645, G>A on the plus strand (C>T on the coding strand, the complement: ANO10 is on the minus strand). VCF-style: chr3-43598645-G-A. GRCh37 (hg19) VCF-style: chr3-43640137-G-A.
Other names: c.359C>T, p.Thr120Ile (NM_001204831.3, NM_001204834.3, NM_001346463.2 and 4 more transcripts); c.161C>T, p.Thr54Ile (NM_001204832.3, NM_001346466.2, NM_001346469.2); c.139+7069C>T (NM_001204833.3); short protein forms T120I, T54I.
Identifiers: ClinVar variation 2498929 (VCV002498929.28), dbSNP rs2529754869, ClinGen allele CA352345646.